The following is an entry in ClinVar:

NM_005005.3(NDUFB9):c.124T>C (p.Cys42Arg)

Gene: NDUFB9 (NADH:ubiquinone oxidoreductase subunit B9; plus strand). Cytogenetic location: 8q24.13.
Variant type: single nucleotide variant.
Coding change: c.124T>C on transcript NM_005005.3 (MANE Select); coding-DNA position 124, T replaced by C.
Protein change: p.Cys42Arg; replaces cysteine 42 with arginine.
Molecular consequence: missense variant. On other transcripts: 5 prime UTR variant (1), intron variant (2).
Genome position (GRCh38, 1-based): chr8:124,543,109, T>C. VCF-style: chr8-124543109-T-C. GRCh37 (hg19) VCF-style: chr8-125555350-T-C.
Other names: c.-6T>C (NM_001278646.2); c.102-11T>C (NM_001311168.2); c.-32-13T>C (NM_001278645.2); short protein forms C42R.
Identifiers: ClinVar variation 4737952 (VCV004737952.1).
Genomic context (GRCh38, chr8:124,543,109, plus strand): 5'-GGTAACATTTCTAATCTTCAAAATCATTTTGGTTTAAGAGACAAATACCGATACTTTGCT[T>C]GTTTGATGAGAGCCCGGTTTGAAGAACATAAGAATGAAAAGGATATGGCGAAGGCCACCC-3'
Protein context (NP_004996.1, residues 32-52): VQRDKYRYFA[Cys42Arg]LMRARFEEHK

ClinVar aggregate classification (germline): Uncertain significance (1 of 4 stars; one submission).

gnomAD v4.1: 2 of 1,614,186 alleles (0.00012%); highest among the groups gnomAD compares: African/African-American, 0.0027%; no homozygotes.

Submission:

Labcorp Genetics (formerly Invitae), Labcorp
Classification: Uncertain significance. Last evaluated: 2025-12-15. Review status: criteria provided, single submitter. Criteria: Invitae Variant Classification Sherloc (09022015). Collection method: clinical testing. Allele origin: germline.
Comment: This sequence change replaces cysteine, which is neutral and slightly polar, with arginine, which is basic and polar, at codon 42 of the NDUFB9 protein (p.Cys42Arg). This variant is present in population databases (no rsID available, gnomAD 0.007%). This variant has not been reported in the literature in individuals affected with NDUFB9-related conditions. An algorithm developed to predict the effect of missense changes on protein structure and function (PolyPhen-2) suggests that this variant is likely to be disruptive. In summary, the available evidence is currently insufficient to determine the role of this variant in disease. Therefore, it has been classified as a Variant of Uncertain Significance.